The following is an entry in ClinVar:

ClinVar aggregate classification (germline): Pathogenic/Likely pathogenic. Review status: criteria provided, multiple submitters, no conflicts (2 of 4 stars). 4 submissions from 4 submitters: Pathogenic (3); Likely pathogenic (1). Last evaluated 2025-07-25.

Allele frequency attached by ClinVar (database versions not stated): TOPMed 0.00001; gnomAD 0.00002.
gnomAD v4.1: 12 of 1,613,798 alleles (0.00074%); highest among the groups gnomAD compares: Non-Finnish European, 0.001%; no homozygotes.

Submissions (4):

ARUP Laboratories, Molecular Genetics and Genomics, ARUP Laboratories
Classification: Pathogenic. Last evaluated: 2025-07-25. Review status: criteria provided, single submitter. Criteria: ARUP Molecular Germline Variant Investigation Process 2024. Collection method: clinical testing. Allele origin: germline.
Comment: The SPTA1 c.4398T>G; p.Tyr1466Ter variant (rs761105413; ClinVar Variation ID: 2438369) is reported in the literature in an individual with neonatal hyperbilirubinemia (Gallagher 2019). This variant is only observed on two alleles in the Genome Aggregation Database (v2.1.1), indicating it is not a common polymorphism. This variant induces an early termination codon and is predicted to result in a truncated protein or mRNA subject to nonsense-mediated decay. Based on available information, this variant is considered to be pathogenic. References: Gallagher PG et al. Aberrant splicing contributes to severe alpha-spectrin-linked congenital hemolytic anemia. J Clin Invest. 2019 Apr 30. PMID: 31038472

Labcorp Genetics (formerly Invitae), Labcorp
Classification: Pathogenic. Last evaluated: 2025-01-11. Review status: criteria provided, single submitter. Criteria: Invitae Variant Classification Sherloc (09022015). Collection method: clinical testing. Allele origin: germline.
Comment: This sequence change creates a premature translational stop signal (p.Tyr1466*) in the SPTA1 gene. It is expected to result in an absent or disrupted protein product. Loss-of-function variants in SPTA1 are known to be pathogenic (PMID: 9192783, 18815189, 31333484, 31723846, 32266426). This variant is present in population databases (no rsID available, gnomAD 0.01%). This premature translational stop signal has been observed in individual(s) with non-immune hemolytic anemia (PMID: 31038472). ClinVar contains an entry for this variant (Variation ID: 2438369). Algorithms developed to predict the effect of sequence changes on RNA splicing suggest that this variant may disrupt the consensus splice site. For these reasons, this variant has been classified as Pathogenic.

Mayo Clinic Laboratories, Mayo Clinic
Classification: Likely pathogenic. Last evaluated: 2022-10-18. Review status: criteria provided, single submitter. Criteria: ACMG Guidelines, 2015. Collection method: clinical testing. Allele origin: germline. Observed: 1 variant allele.
Comment: PM2, PVS1

Revvity Omics, Revvity
Classification: Pathogenic. Last evaluated: 2022-05-06. Review status: criteria provided, single submitter. Criteria: ACMG Guidelines, 2015. Collection method: clinical testing. Allele origin: germline.

Literature cited by the submitters: PubMed 9192783 (cited by Labcorp Genetics (formerly Invitae), Labcorp); PubMed 18815189 (cited by Labcorp Genetics (formerly Invitae), Labcorp); PubMed 31333484 (cited by Labcorp Genetics (formerly Invitae), Labcorp); PubMed 31723846 (cited by Labcorp Genetics (formerly Invitae), Labcorp); PubMed 32266426 (cited by Labcorp Genetics (formerly Invitae), Labcorp); PubMed 31038472 (cited by Labcorp Genetics (formerly Invitae), Labcorp).

NM_003126.4(SPTA1):c.4398T>G (p.Tyr1466Ter)

Gene: SPTA1 (spectrin alpha, erythrocytic 1; minus strand). Cytogenetic location: 1q23.1.
Variant type: single nucleotide variant.
Coding change: c.4398T>G on transcript NM_003126.4 (MANE Select); coding-DNA position 4398, T replaced by G.
Protein change: p.Tyr1466Ter; replaces tyrosine 1466 with a stop codon.
Molecular consequence: nonsense.
Genome position (GRCh38, 1-based): chr1:158,643,366, A>C on the plus strand (T>G on the coding strand, the complement: SPTA1 is on the minus strand). VCF-style: chr1-158643366-A-C. GRCh37 (hg19) VCF-style: chr1-158613156-A-C.
Other names: p.Tyr1466*; c.4398T>G (NM_003126.2); short protein forms Y1466*.
Identifiers: ClinVar variation 2438369 (VCV002438369.7), dbSNP rs761105413, ClinGen allele CA343031159.